The following is an entry in ClinVar:

NM_000492.4(CFTR):c.3746G>A (p.Gly1249Glu)

Genes: CFTR (CF transmembrane conductance regulator; plus strand), CFTR-AS2 (CFTR antisense RNA 2; minus strand). Cytogenetic location: 7q31.2.
Variant type: single nucleotide variant.
Coding change: c.3746G>A on transcript NM_000492.4 (MANE Select); coding-DNA position 3746, G replaced by A.
Protein change: p.Gly1249Glu; replaces glycine 1249 with glutamic acid.
Molecular consequence: missense variant.
Genome position (GRCh38, 1-based): chr7:117,642,466, G>A. VCF-style: chr7-117642466-G-A. GRCh37 (hg19) VCF-style: chr7-117282520-G-A.
Other names: short protein forms G1249E.
Identifiers: ClinVar variation 7216 (VCV000007216.18), dbSNP rs121909040, ClinGen allele CA325602.

ClinVar aggregate classification (germline): Pathogenic/Likely pathogenic. Review status: criteria provided, multiple submitters, no conflicts (2 of 4 stars). 8 submissions from 8 submitters: Pathogenic (4); Likely pathogenic (3). 1 of the submissions does not count toward it. Last evaluated 2026-08-13.

Conditions:
CFTR-related disorder (CFTR-RD). Also called: CFTR-related condition; CFTR-related disorders. Identifiers: MedGen C5924204, MONDO:7770004.
Cystic fibrosis (CF). Also called: MUCOVISCIDOSIS. Identifiers: Orphanet 586, MedGen C0010674, MONDO:0009061, OMIM 219700. Disease mechanism: loss of function.

Allele frequency attached by ClinVar (database versions not stated): gnomAD exomes below 0.00001; gnomAD 0.00001.
gnomAD v4.1: 4 of 1,613,480 alleles (0.00025%); highest among the groups gnomAD compares: African/African-American, 0.0013%; no homozygotes.

Submissions (8):

Mendelics
Classification: Pathogenic for Cystic fibrosis. Last evaluated: 2026-08-13. Review status: criteria provided, single submitter. Criteria: Mendelics Assertion Criteria 2017. Collection method: clinical testing. Allele origin: unknown. Affected: yes.
Comment: Variant was upgraded from VUS (submitted in 2018) to Pathogenic. GnomAD 4.1.1 frequency: 0.000002479 (0 Homozygotes). In-silico predictors indicate pathogenicity (REVEL and PolyPhen). 6 other ClinVar submissions confirming Pathogenic (or Likely). Functional studies in PMID 38388235.

Labcorp Genetics (formerly Invitae), Labcorp
Classification: Likely pathogenic for Cystic fibrosis. Last evaluated: 2025-08-15. Review status: criteria provided, single submitter. Criteria: Invitae Variant Classification Sherloc (09022015). Collection method: clinical testing. Allele origin: germline.
Comment: This sequence change replaces glycine, which is neutral and non-polar, with glutamic acid, which is acidic and polar, at codon 1249 of the CFTR protein (p.Gly1249Glu). This variant is present in population databases (rs121909040, gnomAD no frequency). This missense change has been observed in individual(s) with clinical features of cystic fibrosis (PMID: 7520022, 8880589, 32292813). In at least one individual the data is consistent with being in trans (on the opposite chromosome) from a pathogenic variant. ClinVar contains an entry for this variant (Variation ID: 7216). Invitae Evidence Modeling of protein sequence and biophysical properties (such as structural, functional, and spatial information, amino acid conservation, physicochemical variation, residue mobility, and thermodynamic stability) indicates that this missense variant is expected to disrupt CFTR protein function with a positive predictive value of 80%. This variant disrupts the p.Gly1249 amino acid residue in CFTR. Other variant(s) that disrupt this residue have been observed in individuals with CFTR-related conditions (PMID: 28603918), which suggests that this may be a clinically significant amino acid residue. In summary, the currently available evidence indicates that the variant is pathogenic, but additional data are needed to prove that conclusively. Therefore, this variant has been classified as Likely Pathogenic.

PreventionGenetics, part of Exact Sciences
Classification: Likely pathogenic for CFTR-related condition. Last evaluated: 2025-04-17. Review status: criteria provided, single submitter. Criteria: ACMG Guidelines, 2015. Collection method: clinical testing. Allele origin: germline.
Comment: The CFTR c.3746G>A variant is predicted to result in the amino acid substitution p.Gly1249Glu. This variant, along with a second pathogenic CFTR variant, has been reported in two individuals with cystic fibrosis (CF); in one individual the variant was confirmed to be in the compound heterozygous state (Greil et al. 1994. PubMed ID: 7520022; Carles et al. 1996. PubMed ID: 8880589). This variant has also been reported in multiple individuals from CF cohort studies, although no additional information regarding other CFTR variants or phenotypic presentation was provided (Banjar et al. 2020. PubMed ID: 32292813; da Silva Filho et al. 2021. PubMed ID: 32819855). A different missense substitution of the same amino acid (p.Gly1249Arg) has been reported in multiple individuals with CF and is classified as "CF-causing" in the CFTR2 database (Dijkstra et al. 1994. PubMed ID: 7526929; Supplementary Table 2A, Geurts et al. 2020. PubMed ID: 32084388). Taken together, the p.Gly1249Glu variant is interpreted as likely pathogenic.

Natera, Inc.
Classification: Pathogenic for CFTR-related disorders. Last evaluated: 2025-04-07. Review status: criteria provided, single submitter. Criteria: Natera Variant Classification Schema (03/2026). Collection method: clinical testing. Allele origin: germline.
Comment: The c.3746G>A variant in CFTR is a missense variant predicted to cause substitution of glycine to glutamic acid at amino acid 1249. This variant is rare in the general population with a frequency below the threshold expected for the associated phenotype(s). This variant has been observed in one or more individuals affected with the associated recessive disease, as either homozygous or compound heterozygous with a second variant (PMID: 8880589, 32026723, 7520022, 32026723). Functional studies show that this variant may disrupt protein function (PMID: 38388235). A different variant at the same position has been determined to be Pathogenic or Likely Pathogenic. Computational prediction algorithms indicate this variant is likely to affect gene or protein function. Given the available evidence, this variant is classified as Pathogenic.

Women's Health and Genetics/Laboratory Corporation of America, LabCorp
Classification: Pathogenic for Cystic fibrosis. Last evaluated: 2024-04-25. Review status: criteria provided, single submitter. Criteria: LabCorp Variant Classification Summary - May 2015. Collection method: clinical testing. Allele origin: germline.
Comment: Variant summary: CFTR c.3746G>A (p.Gly1249Glu) results in a non-conservative amino acid change located in the ABC transporter-like, ATP-binding domain (IPR003439) of the encoded protein sequence. Five of five in-silico tools predict a damaging effect of the variant on protein function. The variant was absent in 251006 control chromosomes. c.3746G>A has been reported in the literature in at-least four individuals affected with Cystic Fibrosis (Banjar_2020, Dork_1998, Geurts_2020, Greil_1993). These data indicate that the variant is likely to be associated with disease. To our knowledge, no experimental evidence demonstrating an impact on protein function has been reported. Additionally, at least one variant at the Gly1249 residue has been reported as associated with disease (c.3745G>A, p.Gly1249Arg), suggesting that this codon is functionally important. These data indicate that the variant is very likely to be associated with disease. The following publications have been ascertained in the context of this evaluation (PMID: 32292813, 9683582, 32084388, 7520022). ClinVar contains an entry for this variant (Variation ID: 7216). Based on the evidence outlined above, the variant was classified as pathogenic.

Institute of Human Genetics, University of Leipzig Medical Center
Classification: Likely pathogenic for Cystic fibrosis. Last evaluated: 2022-09-05. Review status: criteria provided, single submitter. Criteria: ACMG Guidelines, 2015. Collection method: curation. Allele origin: unknown. Affected: yes. Observed: 4 variant alleles.
Comment: This variant was identified in 4 unrelated patients with a clinically confirmed diagnosis of cystic fibrosis. The variant was classified in the context of a project re-classifying variants in the German Cystic Fibrosis Registry (Muko.e.V.). Criteria applied: PM2_SUP, PM3_STR, PM5, PP3, PP4

CFTR-France
Classification: Pathogenic for cystic fibrosis. Last evaluated: 2018-01-29. Review status: criteria provided, single submitter. Criteria: Claustres M et al. (Hum Mutat 2017). Collection method: curation. Allele origin: germline. Affected: yes.

OMIM
Classification: Pathogenic for CYSTIC FIBROSIS. Last evaluated: 1994-07-01. Review status: no assertion criteria provided. Collection method: literature only. Allele origin: germline. Not counted in ClinVar's aggregate classification.

Literature cited by the submitters: PubMed 38388235 (cited by Mendelics and Natera, Inc.); PubMed 7520022 (cited by 4 submitters); PubMed 8880589 (cited by Labcorp Genetics (formerly Invitae), Labcorp and Natera, Inc.); PubMed 32292813 (cited by Labcorp Genetics (formerly Invitae), Labcorp and Women's Health and Genetics/Laboratory Corporation of America, LabCorp); PubMed 28603918 (cited by Labcorp Genetics (formerly Invitae), Labcorp); PubMed 32026723 (cited by Natera, Inc.); PubMed 9683582 (cited by Women's Health and Genetics/Laboratory Corporation of America, LabCorp); PubMed 32084388 (cited by Women's Health and Genetics/Laboratory Corporation of America, LabCorp).